The following is an entry in ClinVar:

ClinVar aggregate classification (germline): Uncertain significance (1 of 4 stars; one submission).

Conditions:
MC3R-related disorder. Also called: MC3R-related condition.

gnomAD v4.1: 1 of 1,614,124 alleles (0.000062%); highest among the groups gnomAD compares: Non-Finnish European, 0.000085%; no homozygotes.

Submission:

PreventionGenetics, part of Exact Sciences
Classification: Uncertain significance for MC3R-related condition. Last evaluated: 2024-10-11. Review status: criteria provided, single submitter. Criteria: ACMG Guidelines, 2015. Collection method: clinical testing. Allele origin: germline.
Comment: The MC3R c.175G>T variant is predicted to result in the amino acid substitution p.Val59Phe. To our knowledge, this variant has not been reported in the literature. This variant is reported in 0.0018% of alleles in individuals of European (Non-Finnish) descent in gnomAD. At this time, the clinical significance of this variant is uncertain due to the absence of conclusive functional and genetic evidence.

NM_019888.3(MC3R):c.175G>T (p.Val59Phe)

Gene: MC3R (melanocortin 3 receptor; plus strand). Cytogenetic location: 20q13.2.
Variant type: single nucleotide variant.
Coding change: c.175G>T on transcript NM_019888.3 (MANE Select); coding-DNA position 175, G replaced by T.
Protein change: p.Val59Phe; replaces valine 59 with phenylalanine.
Molecular consequence: missense variant.
Genome position (GRCh38, 1-based): chr20:56,249,018, G>T. VCF-style: chr20-56249018-G-T. GRCh37 (hg19) VCF-style: chr20-54824074-G-T.
Other names: short protein forms V59F.
Identifiers: ClinVar variation 4984481 (VCV004984481.1).